The following is an entry in ClinVar:

NM_000061.3(BTK):c.1349+1G>A

Gene: BTK (Bruton tyrosine kinase; minus strand). Cytogenetic location: Xq22.1.
Variant type: single nucleotide variant.
Coding change: c.1349+1G>A on transcript NM_000061.3 (MANE Select); the canonical splice donor site of the intron after coding-DNA position 1349, G replaced by A.
Molecular consequence: splice donor variant. On other transcripts: intron variant (1).
Genome position (GRCh38, 1-based): chrX:101,356,783, C>T on the plus strand (G>A on the coding strand, the complement: BTK is on the minus strand). VCF-style: chrX-101356783-C-T. GRCh37 (hg19) VCF-style: chrX-100611771-C-T.
Other names: c.1451+1G>A (NM_001287344.2); c.1038+1591G>A (NM_001287345.2).
Identifiers: ClinVar variation 1012315 (VCV001012315.6), dbSNP rs2147428155, ClinGen allele CA413924728.

ClinVar aggregate classification (germline): Pathogenic. Review status: criteria provided, multiple submitters, no conflicts (2 of 4 stars). 2 submissions from 2 submitters: Pathogenic (2). Last evaluated 2024-01-20.

Conditions:
X-linked agammaglobulinemia (XLA). Also called: Agammaglobulinemia, Bruton tyrosine kinase; Agammaglobulinemia, BTK; BTK-deficiency; IMMUNODEFICIENCY 1; Bruton's agammaglobulinemia; AGAMMAGLOBULINEMIA, X-LINKED, TYPE 1. Identifiers: Orphanet 229717, Orphanet 47, MedGen C0221026, MONDO:0010421, OMIM 300755.
X-linked agammaglobulinemia with growth hormone deficiency (IGHD3). Also called: FLEISHER SYNDROME; HYPOGAMMAGLOBULINEMIA AND ISOLATED GROWTH HORMONE DEFICIENCY, X-LINKED; IGHD III; ISOLATED GROWTH HORMONE DEFICIENCY, TYPE III, WITH AGAMMAGLOBULINEMIA; AGAMMAGLOBULINEMIA AND ISOLATED GROWTH HORMONE DEFICIENCY, X-LINKED; Isolated growth hormone deficiency type 3. Identifiers: Orphanet 231692, Orphanet 631, MedGen C0472813, MONDO:0010615, OMIM 307200.

Submissions (3):

Labcorp Genetics (formerly Invitae), Labcorp
Classification: Pathogenic for X-linked agammaglobulinemia with growth hormone deficiency. Last evaluated: 2024-01-20. Review status: criteria provided, single submitter. Criteria: Invitae Variant Classification Sherloc (09022015). Collection method: clinical testing. Allele origin: germline.
Comment: This sequence change affects a donor splice site in intron 14 of the BTK gene. It is expected to disrupt RNA splicing. Variants that disrupt the donor or acceptor splice site typically lead to a loss of protein function (PMID: 16199547), and loss-of-function variants in BTK are known to be pathogenic (PMID: 15661032, 16862044, 19419768). This variant is not present in population databases (gnomAD no frequency). Disruption of this splice site has been observed in individual(s) with X-linked agammaglobulinemia (PMID: 12204007). This variant is also known as IVS14+1G>A. ClinVar contains an entry for this variant (Variation ID: 1012315). Algorithms developed to predict the effect of sequence changes on RNA splicing suggest that this variant may disrupt the consensus splice site. For these reasons, this variant has been classified as Pathogenic.

Beijing Key Laboratry for Genetics of Birth Defects, Beijing Children's Hospital
Classification: Pathogenic for X-linked agammaglobulinemia. Last evaluated: 2020-12-20. Review status: criteria provided, single submitter. Criteria: ACMG Guidelines, 2015. Collection method: clinical testing. Allele origin: germline. Affected: yes. Observed: 1 variant allele.

Dr. Peter K. Rogan Lab, Western University
No classification provided (evidence only). Condition: Thyroid cancer, nonmedullary, 1. Review status: no classification provided. Collection method: in vitro. Allele origin: not applicable. Functional consequence: retained intron. Not counted in ClinVar's aggregate classification.

Literature cited by the submitters: PubMed 16199547 (cited by Labcorp Genetics (formerly Invitae), Labcorp); PubMed 15661032 (cited by Labcorp Genetics (formerly Invitae), Labcorp); PubMed 16862044 (cited by Labcorp Genetics (formerly Invitae), Labcorp); PubMed 19419768 (cited by Labcorp Genetics (formerly Invitae), Labcorp); PubMed 12204007 (cited by Labcorp Genetics (formerly Invitae), Labcorp and Beijing Key Laboratry for Genetics of Birth Defects, Beijing Children's Hospital); PubMed 25525159 (cited by Beijing Key Laboratry for Genetics of Birth Defects, Beijing Children's Hospital).